The following is an entry in ClinVar:

NM_000051.4(ATM):c.1909C>T (p.Gln637Ter)

Gene: ATM (ATM serine/threonine kinase; plus strand). Cytogenetic location: 11q22.3.
Variant type: single nucleotide variant.
Coding change: c.1909C>T on transcript NM_000051.4 (MANE Select); coding-DNA position 1909, C replaced by T.
Protein change: p.Gln637Ter; replaces glutamine 637 with a stop codon.
Molecular consequence: nonsense.
Genome position (GRCh38, 1-based): chr11:108,253,824, C>T. VCF-style: chr11-108253824-C-T. GRCh37 (hg19) VCF-style: chr11-108124551-C-T.
Other names: c.1909C>T, p.Gln637Ter (NM_001351834.2); short protein forms Q637*.
Identifiers: ClinVar variation 3451135 (VCV003451135.3).

ClinVar aggregate classification (germline): Pathogenic. Review status: criteria provided, multiple submitters, no conflicts (2 of 4 stars). 2 submissions from 2 submitters: Pathogenic (2). Last evaluated 2024-09-20.

Conditions:
Ataxia-telangiectasia syndrome (AT). Also called: AT, COMPLEMENTATION GROUP C; Cerebello-oculocutaneous telangiectasia; Immunodeficiency with ataxia telangiectasia; Ataxia-telangiectasia, complementation group D; Ataxia-telangiectasia; LOUIS-BAR SYNDROME. Identifiers: Orphanet 100, MedGen C0004135, MONDO:0008840, OMIM 208900.
Hereditary cancer-predisposing syndrome. Also called: Hereditary Cancer Syndrome; Hereditary neoplastic syndrome; Neoplastic Syndromes, Hereditary; Tumor predisposition. Identifiers: Orphanet 140162, MedGen C0027672, MeSH D009386, MONDO:0015356.

Submissions (2):

Ambry Genetics
Classification: Pathogenic for Hereditary cancer-predisposing syndrome. Last evaluated: 2024-09-20. Review status: criteria provided, single submitter. Criteria: Ambry Variant Classification Scheme 2023. Collection method: clinical testing. Allele origin: germline.
Comment: The p.Q637* pathogenic mutation (also known as c.1909C>T), located in coding exon 12 of the ATM gene, results from a C to T substitution at nucleotide position 1909. This changes the amino acid from a glutamine to a stop codon within coding exon 12. This variant is considered to be rare based on population cohorts in the Genome Aggregation Database (gnomAD). This alteration is expected to result in loss of function by premature protein truncation or nonsense-mediated mRNA decay. As such, this alteration is interpreted as a disease-causing mutation.

Labcorp Genetics (formerly Invitae), Labcorp
Classification: Pathogenic for Ataxia-telangiectasia syndrome. Last evaluated: 2024-09-04. Review status: criteria provided, single submitter. Criteria: Invitae Variant Classification Sherloc (09022015). Collection method: clinical testing. Allele origin: germline.
Comment: This sequence change creates a premature translational stop signal (p.Gln637*) in the ATM gene. It is expected to result in an absent or disrupted protein product. Loss-of-function variants in ATM are known to be pathogenic (PMID: 23807571, 25614872). This variant is not present in population databases (gnomAD no frequency). This variant has not been reported in the literature in individuals affected with ATM-related conditions. Algorithms developed to predict the effect of sequence changes on RNA splicing suggest that this variant may disrupt the consensus splice site. For these reasons, this variant has been classified as Pathogenic.

Literature cited by the submitters: PubMed 23807571 (cited by Labcorp Genetics (formerly Invitae), Labcorp); PubMed 25614872 (cited by Labcorp Genetics (formerly Invitae), Labcorp).